The following is an entry in ClinVar:

NM_001267550.2(TTN):c.99843del (p.Ile33282fs)

Genes: TTN (titin; minus strand), TTN-AS1 (TTN antisense RNA 1; plus strand), LOC126806420 (BRD4-independent group 4 enhancer GRCh37_chr2:179401104-179402303; plus strand). Cytogenetic location: 2q31.2.
Variant type: Deletion.
Coding change: c.99843del on transcript NM_001267550.2 (MANE Select); coding-DNA position 99843, one base deleted (C; older notation c.99843delC).
Protein change: p.Ile33282fs; shifts the reading frame from isoleucine 33282.
Molecular consequence: frameshift variant. On other transcripts: non-coding transcript variant (1).
Genome position (GRCh38, 1-based): chr2:178,537,364, G deleted on the plus strand (C on the coding strand, the reverse complement: TTN is on the minus strand); the first of 2 consecutive G bases (chr2:178,537,364-178,537,365); deleting either gives the same sequence. VCF-style (leftmost placement, unchanged base first): chr2-178537363-TG-T. GRCh37 (hg19) VCF-style: chr2-179402090-TG-T.
Other names: c.94920del, p.Ile31641fs (NM_001256850.1); c.72648del, p.Ile24217fs (NM_003319.4); c.92139del, p.Ile30714fs (NM_133378.4); c.73023del, p.Ile24342fs (NM_133432.3); c.73224del, p.Ile24409fs (NM_133437.4); short protein forms I31641fs, I33282fs, I30714fs, I24217fs, I24342fs, I24409fs.
Identifiers: ClinVar variation 4794009 (VCV004794009.1).

ClinVar aggregate classification (germline): Likely pathogenic (1 of 4 stars; one submission).

Conditions:
Autosomal recessive limb-girdle muscular dystrophy type 2J (LGMDR10). Also called: MUSCULAR DYSTROPHY, LIMB-GIRDLE, AUTOSOMAL RECESSIVE 10; Limb-girdle muscular dystrophy, type 2J. Identifiers: Orphanet 140922, MedGen C1837342, MONDO:0012127, OMIM 608807.
Dilated cardiomyopathy 1G (CMD1G). Identifiers: Orphanet 154, MedGen C1858763, MONDO:0011400, OMIM 604145.

Submission:

Labcorp Genetics (formerly Invitae), Labcorp
Classification: Likely pathogenic for Dilated cardiomyopathy 1G; Autosomal recessive limb-girdle muscular dystrophy type 2J. Last evaluated: 2025-10-10. Review status: criteria provided, single submitter. Criteria: Invitae Variant Classification Sherloc (09022015). Collection method: clinical testing. Allele origin: germline.
Comment: This sequence change creates a premature translational stop signal (p.Ile33282Serfs*18) in the TTN gene. While this is not anticipated to result in nonsense mediated decay, it is expected to create a truncated TTN protein. This variant is not present in population databases (gnomAD no frequency). This variant has not been reported in the literature in individuals affected with TTN-related conditions. This variant is located in the A band of TTN (PMID: 25589632). Truncating variants in this region are significantly overrepresented in patients affected with dilated cardiomyopathy (PMID: 25589632). Truncating variants in this region have also been reported in individuals affected with autosomal recessive centronuclear myopathy (PMID: 23975875). In summary, the currently available evidence indicates that the variant is pathogenic, but additional data are needed to prove that conclusively. Therefore, this variant has been classified as Likely Pathogenic.

Literature cited by the submitters: PubMed 25589632; PubMed 23975875.